The following is an entry in ClinVar:

ClinVar aggregate classification (germline): Uncertain significance. Review status: criteria provided, multiple submitters, no conflicts (2 of 4 stars). 2 submissions from 2 submitters: Uncertain significance (2). Last evaluated 2024-05-01.

Conditions:
Inborn genetic diseases. Identifiers: MedGen C0950123, MeSH D030342.
Lethal multiple pterygium syndrome (LMPS). Identifiers: Orphanet 33108, MedGen C1854678, MONDO:0009668, OMIM 253290.

Allele frequency attached by ClinVar (database versions not stated): ExAC 0.00001.
gnomAD v4.1: 12 of 1,614,158 alleles (0.00074%); highest among the groups gnomAD compares: Non-Finnish European, 0.001%; no homozygotes.

Submissions (2):

Ambry Genetics
Classification: Uncertain significance for Inborn genetic diseases. Last evaluated: 2024-05-01. Review status: criteria provided, single submitter. Criteria: Ambry Variant Classification Scheme 2023. Collection method: clinical testing. Allele origin: germline.

Labcorp Genetics (formerly Invitae), Labcorp
Classification: Uncertain significance for Lethal multiple pterygium syndrome. Last evaluated: 2023-08-21. Review status: criteria provided, single submitter. Criteria: Invitae Variant Classification Sherloc (09022015). Collection method: clinical testing. Allele origin: germline.
Comment: This sequence change replaces cysteine, which is neutral and slightly polar, with serine, which is neutral and polar, at codon 162 of the CHRNA1 protein (p.Cys162Ser). This variant is present in population databases (rs773556274, gnomAD 0.0009%). This variant has not been reported in the literature in individuals affected with CHRNA1-related conditions. Advanced modeling of protein sequence and biophysical properties (such as structural, functional, and spatial information, amino acid conservation, physicochemical variation, residue mobility, and thermodynamic stability) performed at Invitae indicates that this missense variant is expected to disrupt CHRNA1 protein function. In summary, the available evidence is currently insufficient to determine the role of this variant in disease. Therefore, it has been classified as a Variant of Uncertain Significance.

NM_000079.4(CHRNA1):c.484T>A (p.Cys162Ser)

Gene: CHRNA1 (cholinergic receptor nicotinic alpha 1 subunit; minus strand). Cytogenetic location: 2q31.1.
Variant type: single nucleotide variant.
Coding change: c.484T>A on transcript NM_000079.4 (MANE Select); coding-DNA position 484, T replaced by A.
Protein change: p.Cys162Ser; replaces cysteine 162 with serine.
Molecular consequence: missense variant.
Genome position (GRCh38, 1-based): chr2:174,754,275, A>T on the plus strand (T>A on the coding strand, the complement: CHRNA1 is on the minus strand). VCF-style: chr2-174754275-A-T. GRCh37 (hg19) VCF-style: chr2-175619003-A-T.
Other names: c.559T>A, p.Cys187Ser (NM_001039523.3); c.484T>A (NM_000079.3); short protein forms C187S, C162S.
Identifiers: ClinVar variation 2910660 (VCV002910660.4), dbSNP rs773556274, ClinGen allele CA1974541.